The following is an entry in ClinVar:

NM_001080.3(ALDH5A1):c.183C>G (p.Thr61=)

Genes: ALDH5A1 (aldehyde dehydrogenase 5 family member A1; plus strand), GPLD1 (glycosylphosphatidylinositol specific phospholipase D1; minus strand), LOC129995978 (ATAC-STARR-seq lymphoblastoid silent region 16989; plus strand). Cytogenetic location: 6p22.3.
Variant type: single nucleotide variant.
Coding change: c.183C>G on transcript NM_001080.3 (MANE Select); coding-DNA position 183, C replaced by G.
Protein change: p.Thr61=; no amino-acid change (threonine 61 retained).
Molecular consequence: synonymous variant.
Genome position (GRCh38, 1-based): chr6:24,495,179, C>G. VCF-style: chr6-24495179-C-G. GRCh37 (hg19) VCF-style: chr6-24495407-C-G.
Other names: c.183C>G, p.Thr61= (NM_001368954.1, NM_170740.1).
Identifiers: ClinVar variation 595499 (VCV000595499.20), dbSNP rs776791710, ClinGen allele CA3656577.
Genomic context (GRCh38, chr6:24,495,179, plus strand): 5'-GGCCCAGCTCCGCTGCTACGCTGGGCGCCTGGCGGGCCTCTCTGCGGCGCTGCTGCGCAC[C>G]GACAGCTTCGTGGGCGGCCGCTGGCTCCCGGCCGCCGCCACCTTCCCCGTGCAAGACCCG-3'
Protein context (NP_001071.1, residues 51-71): LAGLSAALLR[Thr61=]DSFVGGRWLP

ClinVar aggregate classification (germline): Conflicting classifications of pathogenicity. Review status: criteria provided, conflicting classifications (1 of 4 stars). 5 submissions from 5 submitters: Uncertain significance (1); Likely benign (4). Last evaluated 2026-06-10.

Conditions:
ALDH5A1-related disorder. Also called: ALDH5A1-related condition.
Succinate-semialdehyde dehydrogenase deficiency (SSADHD). Also called: 4-HYDROXYBUTYRIC ACIDURIA; GABA METABOLIC DEFECT; SSADH DEFICIENCY; Succinic Semialdehyde Dehydrogenase Deficiency. Identifiers: Orphanet 22, MedGen C0268631, MONDO:0010083, OMIM 271980.

Allele frequency attached by ClinVar (database versions not stated): gnomAD exomes 0.00006; ExAC 0.00012; 1000 Genomes Project 30x 0.00016; gnomAD 0.00050 and 0.00057; TOPMed 0.00052.
gnomAD v4.1: 137 of 1,500,026 alleles (0.0091%); highest among the groups gnomAD compares: African/African-American, 0.16%; no homozygotes.

Submissions (5):

PreventionGenetics, part of Exact Sciences
Classification: Likely benign for ALDH5A1-related condition. Last evaluated: 2026-06-10. Review status: criteria provided, single submitter. Criteria: ACMG Guidelines, 2015. Collection method: clinical testing. Allele origin: germline.
Comment: This variant is classified as likely benign based on ACMG/AMP sequence variant interpretation guidelines (Richards et al. 2015 PMID: 25741868, with internal and published modifications).

Labcorp Genetics (formerly Invitae), Labcorp
Classification: Likely benign for Succinate-semialdehyde dehydrogenase deficiency. Last evaluated: 2025-12-16. Review status: criteria provided, single submitter. Criteria: Invitae Variant Classification Sherloc (09022015). Collection method: clinical testing. Allele origin: germline.

Blueprint Genetics
Classification: Likely benign. Last evaluated: 2023-12-27. Review status: criteria provided, single submitter. Criteria: ACMG Guidelines, 2015. Collection method: clinical testing. Allele origin: germline.

GeneDx
Classification: Likely benign. Last evaluated: 2019-10-28. Review status: criteria provided, single submitter. Criteria: GeneDx Variant Classification Process June 2021. Collection method: clinical testing. Allele origin: germline. Affected: yes.

Eurofins Ntd Llc (ga)
Classification: Uncertain significance. Last evaluated: 2018-01-05. Review status: criteria provided, single submitter. Criteria: EGL Classification Definitions 2015. Collection method: clinical testing. Allele origin: germline. Observed: 1 variant allele, 1 heterozygote.